The following is an entry in ClinVar:

NM_005045.4(RELN):c.8516A>G (p.Lys2839Arg)

Genes: RELN (reelin; minus strand), SLC26A5-AS1 (SLC26A5 antisense RNA 1; plus strand). Cytogenetic location: 7q22.1.
Variant type: single nucleotide variant.
Coding change: c.8516A>G on transcript NM_005045.4 (MANE Select); coding-DNA position 8516, A replaced by G.
Protein change: p.Lys2839Arg; replaces lysine 2839 with arginine.
Molecular consequence: missense variant.
Genome position (GRCh38, 1-based): chr7:103,500,896, T>C on the plus strand (A>G on the coding strand, the complement: RELN is on the minus strand). VCF-style: chr7-103500896-T-C. GRCh37 (hg19) VCF-style: chr7-103141343-T-C.
Other names: c.8516A>G, p.Lys2839Arg (NM_173054.3); short protein forms K2839R.
Identifiers: ClinVar variation 2951079 (VCV002951079.3), dbSNP rs2484709922, ClinGen allele CA368756083.

ClinVar aggregate classification (germline): Uncertain significance (1 of 4 stars; one submission).

Conditions:
Norman-Roberts syndrome (LIS2). Also called: Lissencephaly 2 (Norman-Roberts type). Identifiers: Orphanet 89844, MedGen C0796089, MONDO:0009760, OMIM 257320.
Familial temporal lobe epilepsy 7. Identifiers: Orphanet 101046, MedGen C4225327, MONDO:0014639, OMIM 616436.

Submission:

Labcorp Genetics (formerly Invitae), Labcorp
Classification: Uncertain significance for Familial temporal lobe epilepsy 7; Norman-Roberts syndrome. Last evaluated: 2023-08-17. Review status: criteria provided, single submitter. Criteria: Invitae Variant Classification Sherloc (09022015). Collection method: clinical testing. Allele origin: germline.
Comment: In summary, the available evidence is currently insufficient to determine the role of this variant in disease. Therefore, it has been classified as a Variant of Uncertain Significance. Advanced modeling of protein sequence and biophysical properties (such as structural, functional, and spatial information, amino acid conservation, physicochemical variation, residue mobility, and thermodynamic stability) performed at Invitae indicates that this missense variant is not expected to disrupt RELN protein function. This variant has not been reported in the literature in individuals affected with RELN-related conditions. This variant is not present in population databases (gnomAD no frequency). This sequence change replaces lysine, which is basic and polar, with arginine, which is basic and polar, at codon 2839 of the RELN protein (p.Lys2839Arg).